The following is an entry in ClinVar:

NM_177438.3(DICER1):c.574-20A>G

Gene: DICER1 (dicer 1, ribonuclease III; minus strand). Cytogenetic location: 14q32.13.
Variant type: single nucleotide variant.
Coding change: c.574-20A>G on transcript NM_177438.3 (MANE Select); 20 bases into the intron before coding-DNA position 574, A replaced by G.
Molecular consequence: intron variant.
Genome position (GRCh38, 1-based): chr14:95,129,652, T>C on the plus strand (A>G on the coding strand, the complement: DICER1 is on the minus strand). VCF-style: chr14-95129652-T-C. GRCh37 (hg19) VCF-style: chr14-95595989-T-C.
Other names: c.574-20A>G (NM_001395684.1, NM_001395683.1, NM_001395679.1 and 14 more transcripts); c.169-20A>G (NM_001395688.1, NM_001395696.1, NM_001395698.1 and 3 more transcripts); c.-995-20A>G (NM_001395697.1); c.292-20A>G (NM_001395686.1); c.7-20A>G (NM_001395691.1).
Identifiers: ClinVar variation 1982103 (VCV001982103.5), dbSNP rs763607306, ClinGen allele CA7331623.

ClinVar aggregate classification (germline): Likely benign. Review status: criteria provided, multiple submitters, no conflicts (2 of 4 stars). 2 submissions from 2 submitters: Likely benign (2). Last evaluated 2026-04-10.

Conditions:
DICER1-related tumor predisposition. Also called: DICER1 syndrome; DICER1-related pleuropulmonary blastoma cancer predisposition syndrome. Identifiers: Orphanet 284343, MedGen C3839822, MONDO:0100216.

Allele frequency attached by ClinVar (database versions not stated): TOPMed below 0.00001; ExAC 0.00001; gnomAD 0.00001.
gnomAD v4.1: 4 of 1,606,210 alleles (0.00025%); highest among the groups gnomAD compares: South Asian, 0.0033%; no homozygotes.

Submissions (2):

Myriad Genetics, Inc.
Classification: Likely benign for DICER1-related tumor predisposition. Last evaluated: 2026-04-10. Review status: criteria provided, single submitter. Criteria: Myriad Autosomal Dominant, Autosomal Recessive and X-Linked Classification Criteria (2023). Collection method: clinical testing. Allele origin: unknown.
Comment: This variant is considered likely benign. This variant is intronic and is not expected to impact mRNA splicing.

Labcorp Genetics (formerly Invitae), Labcorp
Classification: Likely benign for DICER1-related tumor predisposition. Last evaluated: 2023-10-24. Review status: criteria provided, single submitter. Criteria: Invitae Variant Classification Sherloc (09022015). Collection method: clinical testing. Allele origin: germline.